The following is an entry in ClinVar:

ClinVar aggregate classification (germline): Uncertain significance (1 of 4 stars; one submission).

Allele frequency attached by ClinVar (database versions not stated): gnomAD exomes below 0.00001.
gnomAD v4.1: 2 of 1,603,408 alleles (0.00012%); highest among the groups gnomAD compares: Non-Finnish European, 0.00017%; no homozygotes.

Submission:

Laboratorio de Genetica e Diagnostico Molecular, Hospital Israelita Albert Einstein
Classification: Uncertain significance. Last evaluated: 2021-09-03. Review status: criteria provided, single submitter. Criteria: ACMG Guidelines, 2015. Collection method: clinical testing. Allele origin: germline. Affected: yes.
Comment: ACMG classification criteria: PM2, BP4

NM_003482.4(KMT2D):c.9365T>C (p.Val3122Ala)

Gene: KMT2D (lysine methyltransferase 2D; minus strand). Cytogenetic location: 12q13.12.
Variant type: single nucleotide variant.
Coding change: c.9365T>C on transcript NM_003482.4 (MANE Select); coding-DNA position 9365, T replaced by C.
Protein change: p.Val3122Ala; replaces valine 3122 with alanine.
Molecular consequence: missense variant.
Genome position (GRCh38, 1-based): chr12:49,037,991, A>G on the plus strand (T>C on the coding strand, the complement: KMT2D is on the minus strand). VCF-style: chr12-49037991-A-G. GRCh37 (hg19) VCF-style: chr12-49431774-A-G.
Other names: short protein forms V3122A.
Identifiers: ClinVar variation 1691041 (VCV001691041.2), dbSNP rs1592130490, ClinGen allele CA384738491.
Genomic context (GRCh38, chr12:49,037,991, plus strand): 5'-TCTACCTTGGGGGTAGCAATGGTGAATTGGCAAGGAGAAGGGTGGCGTCCACCCTCCTCC[A>G]CCTTGGGCTTCACCTCAGGGAGCACAGATGCCAGGCGGGGTTCAGAGGCATCAGCAGCAG-3'
Protein context (NP_003473.3, residues 3112-3132): ASVLPEVKPK[Val3122Ala]EEGGRHPSPC